The following is an entry in ClinVar:

NM_000095.3(COMP):c.358G>T (p.Gly120Cys)

Gene: COMP (cartilage oligomeric matrix protein; minus strand). Cytogenetic location: 19p13.11.
Variant type: single nucleotide variant.
Coding change: c.358G>T on transcript NM_000095.3 (MANE Select); coding-DNA position 358, G replaced by T.
Protein change: p.Gly120Cys; replaces glycine 120 with cysteine.
Molecular consequence: missense variant.
Genome position (GRCh38, 1-based): chr19:18,789,974, C>A on the plus strand (G>T on the coding strand, the complement: COMP is on the minus strand). VCF-style: chr19-18789974-C-A. GRCh37 (hg19) VCF-style: chr19-18900783-C-A.
Other names: short protein forms G120C.
Identifiers: ClinVar variation 1356338 (VCV001356338.8), dbSNP rs2145904819, ClinGen allele CA404898339.

ClinVar aggregate classification (germline): Uncertain significance (1 of 4 stars; one submission).

Submission:

Labcorp Genetics (formerly Invitae), Labcorp
Classification: Uncertain significance. Last evaluated: 2021-05-26. Review status: criteria provided, single submitter. Criteria: Invitae Variant Classification Sherloc (09022015). Collection method: clinical testing. Allele origin: germline.
Comment: This sequence change replaces glycine with cysteine at codon 120 of the COMP protein (p.Gly120Cys). The glycine residue is highly conserved and there is a large physicochemical difference between glycine and cysteine. This variant is not present in population databases (ExAC no frequency). This variant has not been reported in the literature in individuals with COMP-related conditions. Advanced modeling of protein sequence and biophysical properties (such as structural, functional, and spatial information, amino acid conservation, physicochemical variation, residue mobility, and thermodynamic stability) performed at Invitae indicates that this missense variant is expected to disrupt COMP protein function. In summary, the available evidence is currently insufficient to determine the role of this variant in disease. Therefore, it has been classified as a Variant of Uncertain Significance.